The following is an entry in ClinVar:

NM_173598.6(KSR2):c.1045G>A (p.Glu349Lys)

Gene: KSR2 (kinase suppressor of ras 2; minus strand). Cytogenetic location: 12q24.22.
Variant type: single nucleotide variant.
Coding change: c.1045G>A on transcript NM_173598.6 (MANE Select); coding-DNA position 1045, G replaced by A.
Protein change: p.Glu349Lys; replaces glutamic acid 349 with lysine.
Molecular consequence: missense variant.
Genome position (GRCh38, 1-based): chr12:117,667,600, C>T on the plus strand (G>A on the coding strand, the complement: KSR2 is on the minus strand). VCF-style: chr12-117667600-C-T. GRCh37 (hg19) VCF-style: chr12-118105405-C-T.
Other names: short protein forms E349K.
Identifiers: ClinVar variation 5000246 (VCV005000246.1).
Genomic context (GRCh38, chr12:117,667,600, plus strand): 5'-AGAAGGAGCGGAGGGAGCGCTCGGACAGCAGCGGGGAGCGCTGCTGAGAGGGGATGTTCT[C>T]GCAGCTGCCTACGCTGCTGTGGATCTTGAGGTTCAAGGGTTTGCTCTTCTTCTTGGCTCT-3'
Protein context (NP_775869.4, residues 339-359): LKIHSSVGSC[Glu349Lys]NIPSQQRSPL

ClinVar aggregate classification (germline): Uncertain significance (1 of 4 stars; one submission).

Conditions:
KSR2-related disorder. Also called: KSR2-related condition.

gnomAD v4.1: 2 of 1,613,100 alleles (0.00012%); highest among the groups gnomAD compares: Non-Finnish European, 0.00017%; no homozygotes.

Submission:

PreventionGenetics, part of Exact Sciences
Classification: Uncertain significance for KSR2-related condition. Last evaluated: 2024-12-06. Review status: criteria provided, single submitter. Criteria: ACMG Guidelines, 2015. Collection method: clinical testing. Allele origin: germline.
Comment: The KSR2 c.958G>A variant is predicted to result in the amino acid substitution p.Glu320Lys. To our knowledge, this variant has not been reported in the literature or in a large population database (gnomAD), indicating this variant is rare. At this time, the clinical significance of this variant is uncertain due to the absence of conclusive functional and genetic evidence.